The following is an entry in ClinVar:

NM_080632.3(UPF3B):c.277A>G (p.Met93Val)

Gene: UPF3B (UPF3B regulator of nonsense mediated mRNA decay; minus strand). Cytogenetic location: Xq24.
Variant type: single nucleotide variant.
Coding change: c.277A>G on transcript NM_080632.3 (MANE Select); coding-DNA position 277, A replaced by G.
Protein change: p.Met93Val; replaces methionine 93 with valine.
Molecular consequence: missense variant.
Genome position (GRCh38, 1-based): chrX:119,851,588, T>C on the plus strand (A>G on the coding strand, the complement: UPF3B is on the minus strand). VCF-style: chrX-119851588-T-C. GRCh37 (hg19) VCF-style: chrX-118985551-T-C.
Other names: c.277A>G, p.Met93Val (NM_023010.4); short protein forms M93V.
Identifiers: ClinVar variation 1012886 (VCV001012886.45), dbSNP rs770557726, ClinGen allele CA10503343.

ClinVar aggregate classification (germline): Conflicting classifications of pathogenicity. Review status: criteria provided, conflicting classifications (1 of 4 stars). 3 submissions from 3 submitters: Uncertain significance (2); Likely benign (1). Last evaluated 2025-09-20.

Conditions:
Intellectual developmental disorder, X-linked, syndromic 14. Also called: Syndromic X-linked intellectual disability 14. Identifiers: Orphanet 776, MedGen C1970822, MONDO:0010398, OMIM 300676.
Inborn genetic diseases. Identifiers: MedGen C0950123, MeSH D030342.

Allele frequency attached by ClinVar (database versions not stated): gnomAD exomes 0.00002 and 0.00003; TOPMed 0.00002; ExAC 0.00001; gnomAD 0.00004.
gnomAD v4.1: 38 of 1,194,841 alleles (0.0032%); highest among the groups gnomAD compares: Admixed American, 0.0044%; no homozygotes.

Submissions (3):

Labcorp Genetics (formerly Invitae), Labcorp
Classification: Uncertain significance for Intellectual developmental disorder, X-linked, syndromic 14. Last evaluated: 2025-09-20. Review status: criteria provided, single submitter. Criteria: Invitae Variant Classification Sherloc (09022015). Collection method: clinical testing. Allele origin: germline.
Comment: This sequence change replaces methionine, which is neutral and non-polar, with valine, which is neutral and non-polar, at codon 93 of the UPF3B protein (p.Met93Val). This variant is present in population databases (rs770557726, gnomAD 0.004%). This variant has not been reported in the literature in individuals affected with UPF3B-related conditions. ClinVar contains an entry for this variant (Variation ID: 1012886). Invitae Evidence Modeling of protein sequence and biophysical properties (such as structural, functional, and spatial information, amino acid conservation, physicochemical variation, residue mobility, and thermodynamic stability) indicates that this missense variant is not expected to disrupt UPF3B protein function with a negative predictive value of 80%. In summary, the available evidence is currently insufficient to determine the role of this variant in disease. Therefore, it has been classified as a Variant of Uncertain Significance.

CeGaT Center for Human Genetics Tuebingen
Classification: Likely benign. Last evaluated: 2024-08-01. Review status: criteria provided, single submitter. Criteria: CeGaT Center For Human Genetics Tuebingen Variant Classification Criteria Version 2. Collection method: clinical testing. Allele origin: germline. Affected: yes. Observed: 3 variant alleles.
Comment: UPF3B: BS2

Ambry Genetics
Classification: Uncertain significance for Inborn genetic diseases. Last evaluated: 2018-10-23. Review status: criteria provided, single submitter. Criteria: Ambry Variant Classification Scheme 2023. Collection method: clinical testing. Allele origin: germline.
Comment: The p.M93V variant (also known as c.277A>G), located in coding exon 3 of the UPF3B gene, results from an A to G substitution at nucleotide position 277. The methionine at codon 93 is replaced by valine, an amino acid with highly similar properties. This amino acid position is not well conserved in available vertebrate species. In addition, this alteration is predicted to be tolerated by in silico analysis. Since supporting evidence is limited at this time, the clinical significance of this alteration remains unclear.